The following is an entry in ClinVar:

NM_007294.4(BRCA1):c.2783G>A (p.Gly928Asp)

Gene: BRCA1 (BRCA1 DNA repair associated; minus strand). Cytogenetic location: 17q21.31.
Variant type: single nucleotide variant.
Coding change: c.2783G>A on transcript NM_007294.4 (MANE Select); coding-DNA position 2783, G replaced by A.
Protein change: p.Gly928Asp; replaces glycine 928 with aspartic acid.
Molecular consequence: missense variant. On other transcripts: intron variant (137).
Genome position (GRCh38, 1-based): chr17:43,092,748, C>T on the plus strand (G>A on the coding strand, the complement: BRCA1 is on the minus strand). VCF-style: chr17-43092748-C-T. GRCh37 (hg19) VCF-style: chr17-41244765-C-T.
Other names: c.2570G>A, p.Gly857Asp (NM_001407571.1, NM_001407853.1, NM_001407894.1 and 9 more transcripts); c.2783G>A, p.Gly928Asp (NM_001407581.1, NM_001407582.1, NM_001407583.1 and 30 more transcripts); c.2780G>A, p.Gly927Asp (NM_001407587.1, NM_001407590.1, NM_001407591.1 and 22 more transcripts); c.2774G>A, p.Gly925Asp (NM_001407646.1, NM_001407647.1); c.2660G>A, p.Gly887Asp (NM_001407648.1, NM_001407664.1, NM_001407665.1 and 19 more transcripts); c.2657G>A, p.Gly886Asp (NM_001407649.1, NM_001407670.1, NM_001407671.1 and 11 more transcripts); c.2705G>A, p.Gly902Asp (NM_001407653.1, NM_001407654.1, NM_001407655.1 and 4 more transcripts); c.2702G>A, p.Gly901Asp (NM_001407659.1, NM_001407660.1, NM_001407661.1 and 1 more transcripts); and 41 more; short protein forms G928D, G881D, G858D, G901D, G925D, G927D, G800D, G801D.
Identifiers: ClinVar variation 41813 (VCV000041813.35), dbSNP rs202004680, ClinGen allele CA001830.

ClinVar aggregate classification (germline): Conflicting classifications of pathogenicity. Review status: criteria provided, conflicting classifications (1 of 4 stars). 10 submissions from 10 submitters: Uncertain significance (4); Benign (1); Likely benign (4). 1 of the submissions does not count toward it. Last evaluated 2026-09-02.

Conditions:
Inherited ovarian cancer (without breast cancer).
Hereditary cancer-predisposing syndrome. Also called: Tumor predisposition; Neoplastic Syndromes, Hereditary; Hereditary Cancer Syndrome; Hereditary neoplastic syndrome. Identifiers: Orphanet 140162, MedGen C0027672, MeSH D009386, MONDO:0015356.
Hereditary breast ovarian cancer syndrome. Also called: Hereditary breast and ovarian cancer syndrome (HBOC); Hereditary breast and ovarian cancer syndrome; Hereditary breast and ovarian cancer; Hereditary breast and/or ovarian cancer syndrome; Breast and ovarian cancer; BRCA1- and BRCA2-Associated Hereditary Breast and Ovarian Cancer. Identifiers: Orphanet 145, MedGen C0677776, MeSH D061325, MONDO:0003582. Disease mechanism: loss of function.
Breast-ovarian cancer, familial, susceptibility to, 1 (BROVCA1). Also called: OVARIAN CANCER, SUSCEPTIBILITY TO; BRCA1 Hereditary Breast and Ovarian Cancer. Identifiers: Orphanet 145, MedGen C2676676, MONDO:0011450, OMIM 604370. Disease mechanism: loss of function.

Allele frequency attached by ClinVar (database versions not stated): gnomAD exomes below 0.00001; TOPMed below 0.00001; gnomAD 0.00002.
gnomAD v4.1: 9 of 1,613,966 alleles (0.00056%); highest among the groups gnomAD compares: Non-Finnish European, 0.00076%; no homozygotes.

Submissions (10):

Cambridge Genomics Laboratory, East Genomic Laboratory Hub, NHS Genomic Medicine Service
Classification: Benign for Inherited ovarian cancer (without breast cancer). Last evaluated: 2026-09-02. Review status: criteria provided, single submitter. Criteria: ACGS Best Practice Guidelines for Variant Classification in Rare Disease 2020. Collection method: clinical testing. Allele origin: germline. Affected: yes.
Comment: PM2_Supporting,BS3_Strong,BP1_Strong

Institute for Biomarker Research, Medical Diagnostic Laboratories, L.L.C.
Classification: Uncertain significance for Hereditary breast ovarian cancer syndrome. Last evaluated: 2026-02-16. Review status: criteria provided, single submitter. Criteria: ACMG Guidelines, 2015. Collection method: clinical testing. Allele origin: germline.
Comment: The missense variant NM_007294.4(BRCA1):c.2783G>A (p.Gly928Asp) has not been reported previously as a pathogenic variant, to our knowledge (Accession: VCV000041813.32). The p.Gly928Asp variant is observed in 1/113,402 (0.0009%) alleles from individuals of gnomAD Non Finnish European background in gnomAD. There is a moderate physicochemical difference between glycine and aspartic acid. The gene BRCA1 has a low rate of benign missense variation as indicated by a high missense variants Z-Score of 2.32. The gene BRCA1 contains 268 pathogenic missense variants, indicating that missense variants are a common mechanism of disease in this gene. For these reasons, this variant has been classified as Uncertain Significance.

Labcorp Genetics (formerly Invitae), Labcorp
Classification: Likely benign for Hereditary breast ovarian cancer syndrome. Last evaluated: 2025-10-09. Review status: criteria provided, single submitter. Criteria: Invitae Variant Classification Sherloc (09022015). Collection method: clinical testing. Allele origin: germline.

Quest Diagnostics Nichols Institute San Juan Capistrano
Classification: Likely benign. Last evaluated: 2025-09-11. Review status: criteria provided, single submitter. Criteria: Quest Diagnostics criteria. Collection method: clinical testing. Allele origin: unknown.

All of Us Research Program, National Institutes of Health
Classification: Uncertain significance for Breast-ovarian cancer, familial, susceptibility to, 1. Last evaluated: 2023-11-02. Review status: criteria provided, single submitter. Criteria: ACMG Guidelines, 2015. Collection method: clinical testing. Allele origin: germline. Inheritance: Autosomal dominant inheritance. Observed: 1 variant allele, 1 heterozygote.
Comment: This missense variant replaces glycine with aspartic acid at codon 928 of the BRCA1 protein. Computational prediction suggests that this variant may not impact protein structure and function (internally defined REVEL score threshold <= 0.5, PMID: 27666373). A functional study has reported that this variant does not impact BRCA1 function in homology-directed DNA repair and sensitivity assays to cisplatin and PARP inhibitor (PMID: 32546644). This variant has been detected in a breast cancer case-control meta-analysis in 3/60466 cases and 3/53461 unaffected individuals (PMID: 33471991; Leiden Open Variation Database DB-ID BRCA1_001156) and in an individual affected with bladder cancer (PMID: 25225064). A multifactorial analysis has reported likelihood ratios for pathogenicity based on co-occurrence with a pathogenic variant and family history of 1.0673 and 0.1114, respectively (PMID: 31131967). This variant has been identified in 2/282452 chromosomes in the general population by the Genome Aggregation Database (gnomAD). The available evidence is insufficient to determine the role of this variant in disease conclusively. Therefore, this variant is classified as a Variant of Uncertain Significance.

This study involves interpretation of variants in research participants for the purpose of population health screening. Participant phenotype was not available at the time of variant classification. Additional details can be found in publication PMID: 35346344, PMCID: PMC8962531

Color Diagnostics, LLC DBA Color Health
Classification: Uncertain significance for Hereditary cancer-predisposing syndrome. Last evaluated: 2023-10-10. Review status: criteria provided, single submitter. Criteria: ACMG Guidelines, 2015. Collection method: clinical testing. Allele origin: germline.
Comment: This missense variant replaces glycine with aspartic acid at codon 928 of the BRCA1 protein. Computational prediction suggests that this variant may not impact protein structure and function (internally defined REVEL score threshold <= 0.5, PMID: 27666373). A functional study has reported that this variant does not impact BRCA1 function in homology-directed DNA repair and sensitivity assays to cisplatin and PARP inhibitor (PMID: 32546644). This variant has been detected in a breast cancer case-control meta-analysis in 3/60466 cases and 3/53461 unaffected individuals (PMID: 33471991; Leiden Open Variation Database DB-ID BRCA1_001156) and in an individual affected with bladder cancer (PMID: 25225064). A multifactorial analysis has reported likelihood ratios for pathogenicity based on co-occurrence with a pathogenic variant and family history of 1.0673 and 0.1114, respectively (PMID: 31131967). This variant has been identified in 2/282452 chromosomes in the general population by the Genome Aggregation Database (gnomAD). The available evidence is insufficient to determine the role of this variant in disease conclusively. Therefore, this variant is classified as a Variant of Uncertain Significance.

GeneDx
Classification: Uncertain significance. Last evaluated: 2023-10-05. Review status: criteria provided, single submitter. Criteria: GeneDx Variant Classification Process June 2021. Collection method: clinical testing. Allele origin: germline. Affected: yes.
Comment: Identified in individuals with breast, ovarian, or other cancers (Anczukw et al., 2008; Nickerson et al., 2014); Published functional studies demonstrate no damaging effect: functionally neutral in three homologous recombination repair complementation assays (Bouwman et al., 2020); In silico analysis supports that this missense variant has a deleterious effect on protein structure/function; Not observed at significant frequency in large population cohorts (gnomAD); Also known as 2902G>A; This variant is associated with the following publications: (PMID: 23929434, 25225064, 16267036, 18273839, 22703879, 15343273, 32546644, 31131967, 29884841, 32377563, 31853058)

University of Washington Department of Laboratory Medicine, University of Washington
Classification: Likely benign for Hereditary cancer-predisposing syndrome. Last evaluated: 2023-03-23. Review status: criteria provided, single submitter. Criteria: Dines et al. (Genet Med. 2020). Collection method: curation. Allele origin: germline.
Comment: Missense variant in a coldspot region where missense variants are very unlikely to be pathogenic (PMID:31911673).

BRCA1 coldspot (exon 11 using historical exon numbering). Reclassification based on statistical prior probability

Ambry Genetics
Classification: Likely benign for Hereditary cancer-predisposing syndrome. Last evaluated: 2020-11-19. Review status: criteria provided, single submitter. Criteria: Ambry Variant Classification Scheme 2023. Collection method: clinical testing. Allele origin: germline.

Biesecker Lab/Clinical Genomics Section, National Institutes of Health
Classification: Uncertain significance. Last evaluated: 2012-07-13. Review status: no assertion criteria provided. Collection method: research. Allele origin: germline. Affected: no. Observed: 1 variant allele. Study: ClinSeq. Not counted in ClinVar's aggregate classification.
ClinVar note: Converted during submission from variant of unknown significance to Uncertain significance.

Literature cited by the submitters: PubMed 16267036 (cited by Quest Diagnostics Nichols Institute San Juan Capistrano and Ambry Genetics); PubMed 33471991 (cited by 3 submitters); PubMed 32546644 (cited by 4 submitters); PubMed 31911673 (cited by Quest Diagnostics Nichols Institute San Juan Capistrano); PubMed 31131967 (cited by 4 submitters); PubMed 23929434 (cited by Quest Diagnostics Nichols Institute San Juan Capistrano and Ambry Genetics); PubMed 18273839 (cited by Quest Diagnostics Nichols Institute San Juan Capistrano and Ambry Genetics); PubMed 25225064 (cited by 4 submitters); PubMed 38271184 (cited by Quest Diagnostics Nichols Institute San Juan Capistrano); PubMed 35979650 (cited by Quest Diagnostics Nichols Institute San Juan Capistrano); PubMed 27600092 (cited by Ambry Genetics).